The following is an entry in ClinVar:

NM_018429.3(BDP1):c.6037A>C (p.Ile2013Leu)

Gene: BDP1 (BDP1 general transcription factor IIIB subunit; plus strand). Cytogenetic location: 5q13.2.
Variant type: single nucleotide variant.
Coding change: c.6037A>C on transcript NM_018429.3 (MANE Select); coding-DNA position 6037, A replaced by C.
Protein change: p.Ile2013Leu; replaces isoleucine 2013 with leucine.
Molecular consequence: missense variant.
Genome position (GRCh38, 1-based): chr5:71,541,468, A>C. VCF-style: chr5-71541468-A-C. GRCh37 (hg19) VCF-style: chr5-70837295-A-C.
Other names: p.Ile2013Leu; short protein forms I2013L.
Identifiers: ClinVar variation 506716 (VCV000506716.6), dbSNP rs6453014, ClinGen allele CA3297149.
Genomic context (GRCh38, chr5:71,541,468, plus strand): 5'-CTATAATTTGGTCCATTTTAATTTTGTTTTTTTTTTTTTTCTTCAGTAGGAGTATGTATA[A>C]TTCCTCATGTTCATTCAAAGGATAAAAGCCATATTCCTTCTAGCCTAGATAATGTAAATC-3'
Protein context (NP_060899.2, residues 2003-2023): SEQGDVGVCI[Ile2013Leu]PHVHSKDKSH

ClinVar aggregate classification (germline): Benign. Review status: criteria provided, multiple submitters, no conflicts (2 of 4 stars). 4 submissions from 4 submitters: Benign (4). Last evaluated 2021-07-14.

Conditions:
Hearing loss, autosomal recessive 112. Also called: DEAFNESS, AUTOSOMAL RECESSIVE 112. Identifiers: MedGen C4748855, MONDO:0032639, OMIM 618257.

Allele frequency attached by ClinVar (database versions not stated): ESP Exome Variant Server 0.80377; gnomAD exomes 0.82545 and 0.84017; gnomAD 0.80993 and 0.80668; TOPMed 0.81311; 1000 Genomes Project 30x 0.81808; 1000 Genomes Project 0.82268; ExAC 0.83534.
gnomAD v4.1: 1,176,884 of 1,428,176 alleles (82%); highest among the groups gnomAD compares: Admixed American, 89%; 486,276 homozygotes.

Submissions (4):

Genome-Nilou Lab
Classification: Benign for Hearing loss, autosomal recessive 112. Last evaluated: 2021-07-14. Review status: criteria provided, single submitter. Criteria: ACMG Guidelines, 2015. Collection method: clinical testing. Allele origin: germline. Affected: no.

Mayo Clinic Laboratories, Mayo Clinic
Classification: Benign. Last evaluated: 2019-08-13. Review status: criteria provided, single submitter. Criteria: ACMG Guidelines, 2015. Collection method: clinical testing. Allele origin: germline. Observed: 99 variant alleles.

GeneDx
Classification: Benign. Last evaluated: 2017-05-09. Review status: criteria provided, single submitter. Criteria: GeneDx Variant Classification (06012015). Collection method: clinical testing. Allele origin: germline. Affected: yes.
Comment: This variant is considered likely benign or benign based on one or more of the following criteria: it is a conservative change, it occurs at a poorly conserved position in the protein, it is predicted to be benign by multiple in silico algorithms, and/or has population frequency not consistent with disease.

Breakthrough Genomics
Classification: Benign. Review status: criteria provided, single submitter. Criteria: ACMG Guidelines, 2015. Collection method: not provided. Allele origin: germline. Inheritance: Autosomal recessive inheritance. Affected: yes.